The following is an entry in ClinVar:

ClinVar aggregate classification (germline): Uncertain significance. Review status: criteria provided, multiple submitters, no conflicts (2 of 4 stars). 2 submissions from 2 submitters: Uncertain significance (2). Last evaluated 2025-07-30.

Conditions:
Aortic valve disease 2 (AOVD2). Identifiers: MedGen C3542024, MONDO:0013902, OMIM 614823.
Cardiovascular phenotype. Identifiers: MedGen CN230736.

gnomAD v4.1: 1 of 1,613,602 alleles (0.000062%); highest among the groups gnomAD compares: Non-Finnish European, 0.000085%; no homozygotes.

Submissions (2):

Labcorp Genetics (formerly Invitae), Labcorp
Classification: Uncertain significance for Aortic valve disease 2. Last evaluated: 2025-07-30. Review status: criteria provided, single submitter. Criteria: Invitae Variant Classification Sherloc (09022015). Collection method: clinical testing. Allele origin: germline.
Comment: This sequence change replaces histidine, which is basic and polar, with glutamine, which is neutral and polar, at codon 164 of the TBX5 protein (p.His164Gln). This variant is not present in population databases (gnomAD no frequency). This variant has not been reported in the literature in individuals affected with TBX5-related conditions. ClinVar contains an entry for this variant (Variation ID: 2895839). Invitae Evidence Modeling of protein sequence and biophysical properties (such as structural, functional, and spatial information, amino acid conservation, physicochemical variation, residue mobility, and thermodynamic stability) indicates that this missense variant is not expected to disrupt TBX5 protein function with a negative predictive value of 80%. In summary, the available evidence is currently insufficient to determine the role of this variant in disease. Therefore, it has been classified as a Variant of Uncertain Significance.

Ambry Genetics
Classification: Uncertain significance for Cardiovascular phenotype. Last evaluated: 2023-09-24. Review status: criteria provided, single submitter. Criteria: Ambry Variant Classification Scheme 2023. Collection method: clinical testing. Allele origin: germline.
Comment: The p.H164Q variant (also known as c.492C>G), located in coding exon 4 of the TBX5 gene, results from a C to G substitution at nucleotide position 492. The histidine at codon 164 is replaced by glutamine, an amino acid with highly similar properties. This amino acid position is highly conserved in available vertebrate species. In addition, the in silico prediction for this alteration is inconclusive. Since supporting evidence is limited at this time, the clinical significance of this alteration remains unclear.

NM_181486.4(TBX5):c.492C>G (p.His164Gln)

Gene: TBX5 (T-box transcription factor 5; minus strand). Cytogenetic location: 12q24.21.
Variant type: single nucleotide variant.
Coding change: c.492C>G on transcript NM_181486.4 (MANE Select); coding-DNA position 492, C replaced by G.
Protein change: p.His164Gln; replaces histidine 164 with glutamine.
Molecular consequence: missense variant.
Genome position (GRCh38, 1-based): chr12:114,398,591, G>C on the plus strand (C>G on the coding strand, the complement: TBX5 is on the minus strand). VCF-style: chr12-114398591-G-C. GRCh37 (hg19) VCF-style: chr12-114836396-G-C.
Other names: c.492C>G, p.His164Gln (NM_000192.3); c.342C>G, p.His114Gln (NM_080717.4); short protein forms H114Q, H164Q.
Identifiers: ClinVar variation 2895839 (VCV002895839.4), dbSNP rs972633602, ClinGen allele CA244127783.
Genomic context (GRCh38, chr12:114,398,591, plus strand): 5'-CAAGAGGGAGACAAGGCGGGGAATCCAGGCCACGGTACTCACATGCCCAAATGGGTCCAG[G>C]TGGTTGTTGGTGAGCTTGAGTTTCTGGAAGGAGACGAGCTGCCTCATCCAATGCGCCCCG-3'
Protein context (NP_852259.1, residues 154-174): SFQKLKLTNN[His164Gln]LDPFGHIILN